The following is an entry in ClinVar:

NM_000095.3(COMP):c.1127A>T (p.Asp376Val)

Gene: COMP (cartilage oligomeric matrix protein; minus strand). Cytogenetic location: 19p13.11.
Variant type: single nucleotide variant.
Coding change: c.1127A>T on transcript NM_000095.3 (MANE Select); coding-DNA position 1127, A replaced by T.
Protein change: p.Asp376Val; replaces aspartic acid 376 with valine.
Molecular consequence: missense variant.
Genome position (GRCh38, 1-based): chr19:18,787,499, T>A on the plus strand (A>T on the coding strand, the complement: COMP is on the minus strand). VCF-style: chr19-18787499-T-A. GRCh37 (hg19) VCF-style: chr19-18898308-T-A.
Other names: short protein forms D376V.
Identifiers: ClinVar variation 1067974 (VCV001067974.9), dbSNP rs2145902138, ClinGen allele CA404887715.

ClinVar aggregate classification (germline): Likely pathogenic (1 of 4 stars; one submission).

Submission:

Labcorp Genetics (formerly Invitae), Labcorp
Classification: Likely pathogenic. Last evaluated: 2025-01-06. Review status: criteria provided, single submitter. Criteria: Invitae Variant Classification Sherloc (09022015). Collection method: clinical testing. Allele origin: germline.
Comment: This sequence change replaces aspartic acid, which is acidic and polar, with valine, which is neutral and non-polar, at codon 376 of the COMP protein (p.Asp376Val). This variant is not present in population databases (gnomAD no frequency). This missense change has been observed in individual(s) with pseudoachondroplasia (PMID: 15756302). ClinVar contains an entry for this variant (Variation ID: 1067974). Invitae Evidence Modeling of protein sequence and biophysical properties (such as structural, functional, and spatial information, amino acid conservation, physicochemical variation, residue mobility, and thermodynamic stability) indicates that this missense variant is expected to disrupt COMP protein function with a positive predictive value of 80%. This variant disrupts the p.Asp376 amino acid residue in COMP. Other variant(s) that disrupt this residue have been determined to be pathogenic (PMID: 21965141; internal data). This suggests that this residue is clinically significant, and that variants that disrupt this residue are likely to be disease-causing. In summary, the currently available evidence indicates that the variant is pathogenic, but additional data are needed to prove that conclusively. Therefore, this variant has been classified as Likely Pathogenic.

Literature cited by the submitters: PubMed 15756302; PubMed 21965141.